The following is an entry in ClinVar:

NM_002528.7(NTHL1):c.833G>A (p.Gly278Asp)

Gene: NTHL1 (nth like DNA glycosylase 1; minus strand). Cytogenetic location: 16p13.3.
Variant type: single nucleotide variant.
Coding change: c.833G>A on transcript NM_002528.7 (MANE Select); coding-DNA position 833, G replaced by A.
Protein change: p.Gly278Asp; replaces glycine 278 with aspartic acid.
Molecular consequence: missense variant.
Genome position (GRCh38, 1-based): chr16:2,040,006, C>T on the plus strand (G>A on the coding strand, the complement: NTHL1 is on the minus strand). VCF-style: chr16-2040006-C-T. GRCh37 (hg19) VCF-style: chr16-2090007-C-T.
Other names: c.662G>A, p.Gly221Asp (NM_001318193.2); c.503G>A, p.Gly168Asp (NM_001318194.2); c.857G>A (NM_002528.5); short protein forms G221D, G278D, G168D.
Identifiers: ClinVar variation 1431124 (VCV001431124.7), dbSNP rs1209483262, ClinGen allele CA394287336.
Genomic context (GRCh38, chr16:2,040,006, plus strand): 5'-CAGAGGGCTTGGTTGAGGCAGGCGTGGCAGCGAGGGTGCACAGGCAGACAGGTCTGCTGG[C>T]CGAAGCCCACCAAGAGTCCATTGATCTCGTGCCACAGCTCCCTGTGGGGGTGGGGGCTGG-3'
Protein context (NP_002519.2, residues 268-288): HEINGLLVGF[Gly278Asp]QQTCLPVHPR

ClinVar aggregate classification (germline): Uncertain significance. Review status: criteria provided, multiple submitters, no conflicts (2 of 4 stars). 2 submissions from 2 submitters: Uncertain significance (2). Last evaluated 2024-04-17.

Conditions:
Hereditary cancer-predisposing syndrome. Also called: Hereditary Cancer Syndrome; Hereditary neoplastic syndrome; Neoplastic Syndromes, Hereditary; Tumor predisposition. Identifiers: Orphanet 140162, MedGen C0027672, MeSH D009386, MONDO:0015356.

Submissions (2):

Ambry Genetics
Classification: Uncertain significance for Hereditary cancer-predisposing syndrome. Last evaluated: 2024-04-17. Review status: criteria provided, single submitter. Criteria: Ambry Variant Classification Scheme 2023. Collection method: clinical testing. Allele origin: germline.
Comment: The p.G286D variant (also known as c.857G>A), located in coding exon 6 of the NTHL1 gene, results from a G to A substitution at nucleotide position 857. The glycine at codon 286 is replaced by aspartic acid, an amino acid with similar properties. This amino acid position is conserved. In addition, this alteration is predicted to be deleterious by in silico analysis. Based on the available evidence, the clinical significance of this variant remains unclear.

Labcorp Genetics (formerly Invitae), Labcorp
Classification: Uncertain significance. Last evaluated: 2021-09-26. Review status: criteria provided, single submitter. Criteria: Invitae Variant Classification Sherloc (09022015). Collection method: clinical testing. Allele origin: germline.
Comment: This variant has not been reported in the literature in individuals affected with NTHL1-related conditions. This variant is not present in population databases (ExAC no frequency). This sequence change replaces glycine with aspartic acid at codon 286 of the NTHL1 protein (p.Gly286Asp). The glycine residue is highly conserved and there is a moderate physicochemical difference between glycine and aspartic acid. Algorithms developed to predict the effect of missense changes on protein structure and function are either unavailable or do not agree on the potential impact of this missense change (SIFT: "Not Available"; PolyPhen-2: "Probably Damaging"; Align-GVGD: "Not Available"). In summary, the available evidence is currently insufficient to determine the role of this variant in disease. Therefore, it has been classified as a Variant of Uncertain Significance.